The following is an entry in ClinVar:

ClinVar aggregate classification (germline): Conflicting classifications of pathogenicity. Review status: criteria provided, conflicting classifications (1 of 4 stars). 3 submissions from 3 submitters: Uncertain significance (2); Likely benign (1). Last evaluated 2024-08-12.

Conditions:
Inborn genetic diseases. Identifiers: MedGen C0950123, MeSH D030342.
Short-rib thoracic dysplasia 14 with polydactyly (SRTD14). Identifiers: Orphanet 397715, MedGen C4225286, MONDO:0014688, OMIM 616546.
Joubert syndrome 23 (JBTS23). Identifiers: Orphanet 475, MedGen C4084822, MONDO:0014664, OMIM 616490.

Allele frequency attached by ClinVar (database versions not stated): gnomAD 0.00003; ExAC 0.00007.
gnomAD v4.1: 30 of 1,581,802 alleles (0.0019%); highest among the groups gnomAD compares: South Asian, 0.032%; no homozygotes.

Submissions (3):

Blueprint Genetics
Classification: Likely benign. Last evaluated: 2024-08-12. Review status: criteria provided, single submitter. Criteria: ACMG Guidelines, 2015. Collection method: clinical testing. Allele origin: germline.

Labcorp Genetics (formerly Invitae), Labcorp
Classification: Uncertain significance for Joubert syndrome 23; Short-rib thoracic dysplasia 14 with polydactyly. Last evaluated: 2023-08-16. Review status: criteria provided, single submitter. Criteria: Invitae Variant Classification Sherloc (09022015). Collection method: clinical testing. Allele origin: germline.
Comment: In summary, the available evidence is currently insufficient to determine the role of this variant in disease. Therefore, it has been classified as a Variant of Uncertain Significance. Variants that disrupt the consensus splice site are a relatively common cause of aberrant splicing (PMID: 17576681, 9536098). Algorithms developed to predict the effect of sequence changes on RNA splicing suggest that this variant is not likely to affect RNA splicing. ClinVar contains an entry for this variant (Variation ID: 2228775). This variant has not been reported in the literature in individuals affected with KIAA0586-related conditions. This variant is present in population databases (rs769793353, gnomAD 0.02%). This sequence change falls in intron 29 of the KIAA0586 gene. It does not directly change the encoded amino acid sequence of the KIAA0586 protein. It affects a nucleotide within the consensus splice site.

Ambry Genetics
Classification: Uncertain significance for Inborn genetic diseases. Last evaluated: 2021-01-27. Review status: criteria provided, single submitter. Criteria: Ambry Variant Classification Scheme 2023. Collection method: clinical testing. Allele origin: germline.
Comment: The c.3940+5A>G intronic alteration consists of a A to G substitution nucleotides after coding exon 26 in the KIAA0586 gene. Based on insufficient or conflicting evidence, the clinical significance of this alteration remains unclear.

Literature cited by the submitters: PubMed 17576681 (cited by Labcorp Genetics (formerly Invitae), Labcorp); PubMed 9536098 (cited by Labcorp Genetics (formerly Invitae), Labcorp).

NM_001329943.3(KIAA0586):c.4168+5A>G

Gene: KIAA0586 (KIAA0586; plus strand). Cytogenetic location: 14q23.1.
Variant type: single nucleotide variant.
Coding change: c.4168+5A>G on transcript NM_001329943.3 (MANE Select); 5 bases into the intron after coding-DNA position 4168, A replaced by G.
Molecular consequence: intron variant.
Genome position (GRCh38, 1-based): chr14:58,498,965, A>G. VCF-style: chr14-58498965-A-G. GRCh37 (hg19) VCF-style: chr14-58965683-A-G.
Other names: c.4327+5A>G (NM_001244189.2); c.4123+5A>G (NM_001244190.2); c.4036+5A>G (NM_001244192.2, NM_001329947.2); c.3913+5A>G (NM_001244191.2, NM_001364701.2, NM_001329945.2 and 1 more transcripts); c.4168+5A>G (NM_001329944.2, NM_001329946.2); c.3940+5A>G (NM_014749.5); c.3748+5A>G (NM_001244193.2).
Identifiers: ClinVar variation 2228775 (VCV002228775.6), dbSNP rs769793353, ClinGen allele CA7206335.